The following is an entry in ClinVar:

NM_000426.4(LAMA2):c.4436+6A>G

Gene: LAMA2 (laminin subunit alpha 2; plus strand). Cytogenetic location: 6q22.33.
Variant type: single nucleotide variant.
Coding change: c.4436+6A>G on transcript NM_000426.4 (MANE Select); 6 bases into the intron after coding-DNA position 4436, A replaced by G.
Molecular consequence: intron variant.
Genome position (GRCh38, 1-based): chr6:129,342,473, A>G. VCF-style: chr6-129342473-A-G. GRCh37 (hg19) VCF-style: chr6-129663618-A-G.
Other names: c.4436+6A>G (NM_001079823.2).
Identifiers: ClinVar variation 390045 (VCV000390045.2), dbSNP rs1057523624, ClinGen allele CA16605450.

ClinVar aggregate classification (germline): Conflicting classifications of pathogenicity. Review status: criteria provided, conflicting classifications (1 of 4 stars). 2 submissions from 2 submitters: Uncertain significance (1); Likely benign (1). Last evaluated 2025-05-19.

Conditions:
LAMA2-related muscular dystrophy (LAMA2-RD). Also called: Laminin alpha 2-related dystrophy. Identifiers: MedGen C5679788, MONDO:0100228.

Allele frequency attached by ClinVar (database versions not stated): gnomAD exomes below 0.00001.
gnomAD v4.1: 2 of 1,612,372 alleles (0.00012%); highest among the groups gnomAD compares: Non-Finnish European, 0.00017%; no homozygotes.

Submissions (2):

Labcorp Genetics (formerly Invitae), Labcorp
Classification: Uncertain significance for LAMA2-related muscular dystrophy. Last evaluated: 2025-05-19. Review status: criteria provided, single submitter. Criteria: Invitae Variant Classification Sherloc (09022015). Collection method: clinical testing. Allele origin: germline.
Comment: This sequence change falls in intron 30 of the LAMA2 gene. It does not directly change the encoded amino acid sequence of the LAMA2 protein. It affects a nucleotide within the consensus splice site. This variant is not present in population databases (gnomAD no frequency). This variant has not been reported in the literature in individuals affected with LAMA2-related conditions. ClinVar contains an entry for this variant (Variation ID: 390045). Variants that disrupt the consensus splice site are a relatively common cause of aberrant splicing (PMID: 17576681, 9536098). Algorithms developed to predict the effect of sequence changes on RNA splicing suggest that this variant is not likely to affect RNA splicing. In summary, the available evidence is currently insufficient to determine the role of this variant in disease. Therefore, it has been classified as a Variant of Uncertain Significance.

GeneDx
Classification: Likely benign. Last evaluated: 2016-10-27. Review status: criteria provided, single submitter. Criteria: GeneDx Variant Classification (06012015). Collection method: clinical testing. Allele origin: germline. Affected: yes.
Comment: This variant is considered likely benign or benign based on one or more of the following criteria: it is a conservative change, it occurs at a poorly conserved position in the protein, it is predicted to be benign by multiple in silico algorithms, and/or has population frequency not consistent with disease.

Literature cited by the submitters: PubMed 17576681 (cited by Labcorp Genetics (formerly Invitae), Labcorp); PubMed 9536098 (cited by Labcorp Genetics (formerly Invitae), Labcorp).